The following is an entry in ClinVar:

NM_004733.4(SLC33A1):c.583A>G (p.Ile195Val)

Gene: SLC33A1 (solute carrier family 33 member 1; minus strand). Cytogenetic location: 3q25.31.
Variant type: single nucleotide variant.
Coding change: c.583A>G on transcript NM_004733.4 (MANE Select); coding-DNA position 583, A replaced by G.
Protein change: p.Ile195Val; replaces isoleucine 195 with valine.
Molecular consequence: missense variant.
Genome position (GRCh38, 1-based): chr3:155,853,415, T>C on the plus strand (A>G on the coding strand, the complement: SLC33A1 is on the minus strand). VCF-style: chr3-155853415-T-C. GRCh37 (hg19) VCF-style: chr3-155571204-T-C.
Other names: c.583A>G, p.Ile195Val (NM_001190992.2, NM_001363883.1); short protein forms I195V.
Identifiers: ClinVar variation 1409543 (VCV001409543.8), dbSNP rs148999356, ClinGen allele CA2677399.

ClinVar aggregate classification (germline): Uncertain significance (1 of 4 stars; one submission).

Conditions:
Spastic paraplegia. Identifiers: MedGen C0037772, HP:0001258.

Allele frequency attached by ClinVar (database versions not stated): gnomAD exomes below 0.00001; TOPMed below 0.00001; ExAC 0.00001; gnomAD 0.00001; ESP Exome Variant Server 0.00008.
gnomAD v4.1: 2 of 1,613,966 alleles (0.00012%); highest among the groups gnomAD compares: Non-Finnish European, 0.00017%; no homozygotes.

Submission:

Labcorp Genetics (formerly Invitae), Labcorp
Classification: Uncertain significance for Spastic paraplegia. Last evaluated: 2021-12-03. Review status: criteria provided, single submitter. Criteria: Invitae Variant Classification Sherloc (09022015). Collection method: clinical testing. Allele origin: germline.
Comment: In summary, the available evidence is currently insufficient to determine the role of this variant in disease. Therefore, it has been classified as a Variant of Uncertain Significance. Algorithms developed to predict the effect of missense changes on protein structure and function (SIFT, PolyPhen-2, Align-GVGD) all suggest that this variant is likely to be tolerated. This variant has not been reported in the literature in individuals affected with SLC33A1-related conditions. This variant is present in population databases (rs148999356, gnomAD 0.0009%). This sequence change replaces isoleucine, which is neutral and non-polar, with valine, which is neutral and non-polar, at codon 195 of the SLC33A1 protein (p.Ile195Val).